The following is an entry in ClinVar:

NM_003579.4(RAD54L):c.719C>T (p.Pro240Leu)

Gene: RAD54L (RAD54 like; plus strand). Cytogenetic location: 1p34.1.
Variant type: single nucleotide variant.
Coding change: c.719C>T on transcript NM_003579.4 (MANE Select); coding-DNA position 719, C replaced by T.
Protein change: p.Pro240Leu; replaces proline 240 with leucine.
Molecular consequence: missense variant.
Genome position (GRCh38, 1-based): chr1:46,260,968, C>T. VCF-style: chr1-46260968-C-T. GRCh37 (hg19) VCF-style: chr1-46726640-C-T.
Other names: c.719C>T, p.Pro240Leu (NM_001142548.2); c.179C>T, p.Pro60Leu (NM_001370766.1); short protein forms P240L, P60L.
Identifiers: ClinVar variation 1757619 (VCV001757619.2), dbSNP rs149736136, ClinGen allele CA834333.

ClinVar aggregate classification (germline): Uncertain significance (1 of 4 stars; one submission).

Allele frequency attached by ClinVar (database versions not stated): gnomAD exomes below 0.00001; ExAC 0.00001; 1000 Genomes Project 30x 0.00031; 1000 Genomes Project 0.00040.

Submission:

Ambry Genetics
Classification: Uncertain significance. Last evaluated: 2022-01-15. Review status: criteria provided, single submitter. Criteria: Ambry Variant Classification Scheme 2023. Collection method: clinical testing. Allele origin: germline.
Comment: The p.P240L variant (also known as c.719C>T), located in coding exon 7 of the RAD54L gene, results from a C to T substitution at nucleotide position 719. The proline at codon 240 is replaced by leucine, an amino acid with similar properties. This amino acid position is conserved. In addition, this alteration is predicted to be deleterious by in silico analysis. Since supporting evidence is limited at this time, the clinical significance of this alteration remains unclear.